The following is an entry in ClinVar:

NM_001693.4(ATP6V1B2):c.628G>C (p.Ala210Pro)

Gene: ATP6V1B2 (ATPase H+ transporting V1 subunit B2; plus strand). Cytogenetic location: 8p21.3.
Variant type: single nucleotide variant.
Coding change: c.628G>C on transcript NM_001693.4 (MANE Select); coding-DNA position 628, G replaced by C.
Protein change: p.Ala210Pro; replaces alanine 210 with proline.
Molecular consequence: missense variant.
Genome position (GRCh38, 1-based): chr8:20,211,676, G>C. VCF-style: chr8-20211676-G-C. GRCh37 (hg19) VCF-style: chr8-20069187-G-C.
Other names: short protein forms A210P.
Identifiers: ClinVar variation 3458953 (VCV003458953.3).

ClinVar aggregate classification (germline): Pathogenic/Likely pathogenic. Review status: criteria provided, multiple submitters, no conflicts (2 of 4 stars). 2 submissions from 2 submitters: Pathogenic (1); Likely pathogenic (1). Last evaluated 2025-01-09.

Conditions:
Inborn genetic diseases. Identifiers: MedGen C0950123, MeSH D030342.

Submissions (2):

Ambry Genetics
Classification: Likely pathogenic for Inborn genetic diseases. Last evaluated: 2025-01-09. Review status: criteria provided, single submitter. Criteria: Ambry Variant Classification Scheme 2023. Collection method: clinical testing. Allele origin: germline.
Comment: The c.628G>C (p.A210P) alteration is located in exon 7 (coding exon 7) of the ATP6V1B2 gene. This alteration results from a G to C substitution at nucleotide position 628, causing the alanine (A) at amino acid position 210 to be replaced by a proline (P). This variant was not reported in population-based cohorts in the Genome Aggregation Database (gnomAD). This amino acid position is well conserved in available vertebrate species. This alteration is predicted to be deleterious by in silico analysis. Based on the available evidence, this alteration is classified as likely pathogenic.

GeneDx
Classification: Pathogenic. Last evaluated: 2024-11-30. Review status: criteria provided, single submitter. Criteria: GeneDx Variant Classification Process June 2021. Collection method: clinical testing. Allele origin: germline. Affected: yes.
Comment: Not observed at significant frequency in large population cohorts (gnomAD); In silico analysis supports that this missense variant has a deleterious effect on protein structure/function; Has not been previously published as pathogenic or benign to our knowledge